The following is an entry in ClinVar:

ClinVar aggregate classification (germline): Uncertain significance (1 of 4 stars; one submission).

Submission:

Women's Health and Genetics/Laboratory Corporation of America, LabCorp
Classification: Uncertain significance. Last evaluated: 2022-06-17. Review status: criteria provided, single submitter. Criteria: LabCorp Variant Classification Summary - May 2015. Collection method: clinical testing. Allele origin: germline.
Comment: Variant summary: ZIC1 c.679T>C (p.Cys227Arg) results in a non-conservative amino acid change located in the ZIC protein, zinc finger domain (IPR041643) of the encoded protein sequence. Four of five in-silico tools predict a damaging effect of the variant on protein function. The variant was absent in 251382 control chromosomes (gnomAD). The available data on variant occurrences in the general population are insufficient to allow any conclusion about variant significance. To our knowledge, no occurrence of c.679T>C in individuals affected with Structural Brain Anomalies With Impaired Intellectual Development And Craniosynostosis and no experimental evidence demonstrating its impact on protein function have been reported. No clinical diagnostic laboratories have submitted clinical-significance assessments for this variant to ClinVar after 2014. Based on the evidence outlined above, the variant was classified as uncertain significance.

NM_003412.4(ZIC1):c.679T>C (p.Cys227Arg)

Gene: ZIC1 (Zic family member 1; plus strand). Cytogenetic location: 3q24.
Variant type: single nucleotide variant.
Coding change: c.679T>C on transcript NM_003412.4 (MANE Select); coding-DNA position 679, T replaced by C.
Protein change: p.Cys227Arg; replaces cysteine 227 with arginine.
Molecular consequence: missense variant.
Genome position (GRCh38, 1-based): chr3:147,410,791, T>C. VCF-style: chr3-147410791-T-C. GRCh37 (hg19) VCF-style: chr3-147128578-T-C.
Other names: short protein forms C227R.
Identifiers: ClinVar variation 1698581 (VCV001698581.1), dbSNP rs2107993157, ClinGen allele CA354897222.